The following is an entry in ClinVar:

NM_004897.5(MINPP1):c.204G>A (p.Trp68Ter)

Genes: MINPP1 (multiple inositol-polyphosphate phosphatase 1; plus strand), LOC130004261 (ATAC-STARR-seq lymphoblastoid active region 3708; plus strand). Cytogenetic location: 10q23.2.
Variant type: single nucleotide variant.
Coding change: c.204G>A on transcript NM_004897.5 (MANE Select); coding-DNA position 204, G replaced by A.
Protein change: p.Trp68Ter; replaces tryptophan 68 with a stop codon.
Molecular consequence: nonsense.
Genome position (GRCh38, 1-based): chr10:87,505,119, G>A. VCF-style: chr10-87505119-G-A. GRCh37 (hg19) VCF-style: chr10-89264876-G-A.
Other names: c.204G>A, p.Trp68Ter (NM_001178117.2); short protein forms W68*.
Identifiers: ClinVar variation 4082278 (VCV004082278.1).

ClinVar aggregate classification (germline): Likely pathogenic (1 of 4 stars; one submission).

Conditions:
Pontocerebellar hypoplasia, type 16. Identifiers: MedGen C5561987, MONDO:0030438, OMIM 619527.

gnomAD v4.1: 2 of 1,612,838 alleles (0.00012%); highest among the groups gnomAD compares: Non-Finnish European, 0.00017%; no homozygotes.

Submission:

Medical Molecular Genetics, National Research Centre
Classification: Likely pathogenic for Pontocerebellar hypoplasia, type 16. Last evaluated: 2025-08-01. Review status: criteria provided, single submitter. Criteria: ACMG Guidelines, 2015. Collection method: clinical testing. Allele origin: germline. Affected: yes. Observed: 1 variant allele.
Comment: Nonsense variant causing protein truncation; likely pathogenic based on PVS1, PM2; extremely rare allele frequency (gnomAD AF 1.2e-6)